The following is an entry in ClinVar:

ClinVar aggregate classification (germline): Uncertain significance. Review status: criteria provided, multiple submitters, no conflicts (2 of 4 stars). 2 submissions from 2 submitters: Uncertain significance (2). Last evaluated 2024-10-02.

Conditions:
GUCY2C-related disorder. Also called: GUCY2C-related condition.

Allele frequency attached by ClinVar (database versions not stated): gnomAD exomes below 0.00001; gnomAD 0.00001.
gnomAD v4.1: 4 of 1,612,484 alleles (0.00025%); highest among the groups gnomAD compares: Non-Finnish European, 0.00034%; no homozygotes.

Submissions (2):

Blueprint Genetics
Classification: Uncertain significance. Last evaluated: 2024-10-02. Review status: criteria provided, single submitter. Criteria: ACMG Guidelines, 2015. Collection method: clinical testing. Allele origin: germline.

PreventionGenetics, part of Exact Sciences
Classification: Uncertain significance for GUCY2C-related condition. Last evaluated: 2023-05-31. Review status: criteria provided, single submitter. Criteria: ACMG Guidelines, 2015. Collection method: clinical testing. Allele origin: germline.
Comment: The GUCY2C c.2776+5G>A variant is predicted to interfere with splicing. To our knowledge, this variant has not been reported in the literature. This variant is reported in 0.0016% of alleles in individuals of European (Non-Finnish) descent in gnomAD. At this time, the clinical significance of this variant is uncertain due to the absence of conclusive functional and genetic evidence.

NM_004963.4(GUCY2C):c.2776+5G>A

Gene: GUCY2C (guanylate cyclase 2C; minus strand). Cytogenetic location: 12p12.3.
Variant type: single nucleotide variant.
Coding change: c.2776+5G>A on transcript NM_004963.4 (MANE Select); 5 bases into the intron after coding-DNA position 2776, G replaced by A.
Molecular consequence: intron variant.
Genome position (GRCh38, 1-based): chr12:14,621,037, C>T on the plus strand (G>A on the coding strand, the complement: GUCY2C is on the minus strand). VCF-style: chr12-14621037-C-T. GRCh37 (hg19) VCF-style: chr12-14773971-C-T.
Identifiers: ClinVar variation 2628971 (VCV002628971.2), dbSNP rs1302781496, ClinGen allele CA603609806.
Genomic context (GRCh38, chr12:14,621,037, plus strand): 5'-TCTGATTTAGTTGGTGCACAGCAGTACATATGGTTCCCAATTTGCTAAGATGCTCAACTC[C>T]ATACCAGAGTGAACTCCAATGCGAATCCATATTGGGAGGCCAGGAAGATGCTCCAGCTCA-3'